The following is an entry in ClinVar:

NM_005159.5(ACTC1):c.809-14T>A

Genes: GJD2-DT (GJD2 divergent transcript; plus strand), ACTC1 (actin alpha cardiac muscle 1; minus strand). Cytogenetic location: 15q14.
Variant type: single nucleotide variant.
Coding change: c.809-14T>A on transcript NM_005159.5 (MANE Select); 14 bases into the intron before coding-DNA position 809, T replaced by A.
Molecular consequence: intron variant.
Genome position (GRCh38, 1-based): chr15:34,791,309, A>T on the plus strand (T>A on the coding strand, the complement: ACTC1 is on the minus strand). VCF-style: chr15-34791309-A-T. GRCh37 (hg19) VCF-style: chr15-35083510-A-T.
Identifiers: ClinVar variation 1292063 (VCV001292063.3), dbSNP rs1157097825, ClinGen allele CA712279197.
Genomic context (GRCh38, chr15:34,791,309, plus strand): 5'-CATGATGCTATTGTAAGTTGTTTCATGGATGCCAGCAGATTCCATACCTGGGAACGAGTC[A>T]CACACACACACACACACACACACACACACACACACACACACACATCACAGTGCATTCAGG-3'

ClinVar aggregate classification (germline): Conflicting classifications of pathogenicity. Review status: criteria provided, conflicting classifications (1 of 4 stars). 2 submissions from 2 submitters: Uncertain significance (1); Benign (1). Last evaluated 2022-07-14.

Conditions:
Dilated cardiomyopathy 1R (CMD1R). Identifiers: Orphanet 154, Orphanet 54260, MedGen C3150681, MONDO:0013261, OMIM 613424.
Hypertrophic cardiomyopathy 11. Also called: ACTC1-Related Familial Hypertrophic Cardiomyopathy. Identifiers: MedGen C2677506, MONDO:0012799, OMIM 612098.
Atrial septal defect 5 (ASD5). Identifiers: Orphanet 1478, MedGen C2748552, MONDO:0013011, OMIM 612794.

Allele frequency attached by ClinVar (database versions not stated): gnomAD 0.00003.

Submissions (2):

Clinical Genomics Laboratory, Stanford Medicine
Classification: Uncertain significance for Hypertrophic cardiomyopathy 11; Dilated cardiomyopathy 1R; Atrial septal defect 5. Last evaluated: 2022-07-14. Review status: criteria provided, single submitter. Criteria: ACMG Guidelines, 2015. Collection method: clinical testing. Allele origin: germline. Observed: 1 variant allele, 1 heterozygote.
Comment: The c.809-14T>A variant in the ACTC1 gene has not been previously reported in association with disease. This variant was absent from large population databases, including the Genome Aggregation Database. This variant is present in ClinVar (Variation ID: 1292063). Computational tools predict that this variant is neither deleterious nor benign; however, the accuracy of in silico algorithms is limited. These data were assessed using the ACMG/AMP variant interpretation guidelines. In summary, the significance of the c.809-14T>A variant is uncertain. Additional information is needed to resolve the significance of this variant. [ACMG evidence codes used: PM2]

GeneDx
Classification: Benign. Last evaluated: 2015-03-03. Review status: criteria provided, single submitter. Criteria: GeneDx Variant Classification Process June 2021. Collection method: clinical testing. Allele origin: germline. Affected: yes.